The following is an entry in ClinVar:

ClinVar aggregate classification (germline): Uncertain significance (1 of 4 stars; one submission).

Submission:

Labcorp Genetics (formerly Invitae), Labcorp
Classification: Uncertain significance. Last evaluated: 2024-05-22. Review status: criteria provided, single submitter. Criteria: Invitae Variant Classification Sherloc (09022015). Collection method: clinical testing. Allele origin: germline.
Comment: This sequence change replaces phenylalanine, which is neutral and non-polar, with cysteine, which is neutral and slightly polar, at codon 529 of the TCIRG1 protein (p.Phe529Cys). This variant is not present in population databases (gnomAD no frequency). This variant has not been reported in the literature in individuals affected with TCIRG1-related conditions. Advanced modeling of protein sequence and biophysical properties (such as structural, functional, and spatial information, amino acid conservation, physicochemical variation, residue mobility, and thermodynamic stability) performed at Invitae indicates that this missense variant is expected to disrupt TCIRG1 protein function with a positive predictive value of 80%. In summary, the available evidence is currently insufficient to determine the role of this variant in disease. Therefore, it has been classified as a Variant of Uncertain Significance.

NM_006019.4(TCIRG1):c.1586T>G (p.Phe529Cys)

Gene: TCIRG1 (T cell immune regulator 1, ATPase H+ transporting V0 subunit a3; plus strand). Cytogenetic location: 11q13.2.
Variant type: single nucleotide variant.
Coding change: c.1586T>G on transcript NM_006019.4 (MANE Select); coding-DNA position 1586, T replaced by G.
Protein change: p.Phe529Cys; replaces phenylalanine 529 with cysteine.
Molecular consequence: missense variant.
Genome position (GRCh38, 1-based): chr11:68,048,910, T>G. VCF-style: chr11-68048910-T-G. GRCh37 (hg19) VCF-style: chr11-67816377-T-G.
Other names: c.692T>G, p.Phe231Cys (NM_001351059.2); c.938T>G, p.Phe313Cys (NM_006053.4); short protein forms F231C, F313C, F529C.
Identifiers: ClinVar variation 3707559 (VCV003707559.2).